The following is an entry in ClinVar:

NM_025114.4(CEP290):c.5709+1G>A

Gene: CEP290 (centrosomal protein 290; minus strand). Cytogenetic location: 12q21.32.
Variant type: single nucleotide variant.
Coding change: c.5709+1G>A on transcript NM_025114.4 (MANE Select); the canonical splice donor site of the intron after coding-DNA position 5709, G replaced by A.
Molecular consequence: splice donor variant.
Genome position (GRCh38, 1-based): chr12:88,077,221, C>T on the plus strand (G>A on the coding strand, the complement: CEP290 is on the minus strand). VCF-style: chr12-88077221-C-T. GRCh37 (hg19) VCF-style: chr12-88470998-C-T.
Identifiers: ClinVar variation 941423 (VCV000941423.9), dbSNP rs759850328, ClinGen allele CA6711675.
Genomic context (GRCh38, chr12:88,077,221, plus strand): 5'-ATGTATTTAACTTACTCTGTCACTACCTTAAGCATATAAGTCAGTATGTTTCTTCACATA[C>T]CTTTTCTTTCATAGGTTTTAGGTCTACTTCCTCCACCTTTCCCTCTAATTGGTTCTCTAG-3'

ClinVar aggregate classification (germline): Pathogenic. Review status: criteria provided, single submitter (1 of 4 stars). 2 submissions from 2 submitters: Pathogenic (1). 1 of the submissions does not count toward it. Last evaluated 2025-12-22.

Conditions:
Meckel-Gruber syndrome. Also called: Dysencephalia splachnocystica; DYSENCEPHALIA SPLANCHNOCYSTICA; GRUBER SYNDROME. Identifiers: Orphanet 564, MedGen C0265215, MONDO:0018921.
Nephronophthisis. Also called: Juvenile Nephronophthisis. Identifiers: Orphanet 655, MedGen C0687120, MONDO:0019005, HP:0000090.
Joubert syndrome. Also called: Familial aplasia of the vermis; CEREBELLOPARENCHYMAL DISORDER IV; JOUBERT-BOLTSHAUSER SYNDROME. Identifiers: Orphanet 475, MedGen C5979921, MONDO:0018772.
Leber congenital amaurosis (LCA). Also called: Leber's amaurosis. Identifiers: Orphanet 65, MedGen C0339527, MeSH D057130, MONDO:0018998.

Allele frequency attached by ClinVar (database versions not stated): TOPMed 0.00001.
gnomAD v4.1: 6 of 1,600,252 alleles (0.00037%); highest among the groups gnomAD compares: South Asian, 0.0057%; no homozygotes.

Submissions (2):

Labcorp Genetics (formerly Invitae), Labcorp
Classification: Pathogenic for Joubert syndrome; Meckel-Gruber syndrome; Nephronophthisis. Last evaluated: 2025-12-22. Review status: criteria provided, single submitter. Criteria: Invitae Variant Classification Sherloc (09022015). Collection method: clinical testing. Allele origin: germline.
Comment: This sequence change affects a donor splice site in intron 41 of the CEP290 gene. It is expected to disrupt RNA splicing. Variants that disrupt the donor or acceptor splice site typically lead to a loss of protein function (PMID: 16199547), and loss-of-function variants in CEP290 are known to be pathogenic (PMID: 16909394, 17345604, 20690115). This variant is present in population databases (rs759850328, gnomAD 0.004%). Disruption of this splice site has been observed in individual(s) with inherited retinal dystrophy (PMID: 34196655). In at least one individual the data is consistent with being in trans (on the opposite chromosome) from a pathogenic variant. ClinVar contains an entry for this variant (Variation ID: 941423). Algorithms developed to predict the effect of sequence changes on RNA splicing suggest that this variant may disrupt the consensus splice site. For these reasons, this variant has been classified as Pathogenic.

Natera, Inc.
Classification: Likely pathogenic for Leber congenital amaurosis. Last evaluated: 2021-02-11. Review status: no assertion criteria provided. Collection method: clinical testing. Allele origin: germline. Not counted in ClinVar's aggregate classification.

Literature cited by the submitters: PubMed 16199547 (cited by Labcorp Genetics (formerly Invitae), Labcorp); PubMed 16909394 (cited by Labcorp Genetics (formerly Invitae), Labcorp); PubMed 17345604 (cited by Labcorp Genetics (formerly Invitae), Labcorp); PubMed 20690115 (cited by Labcorp Genetics (formerly Invitae), Labcorp); PubMed 34196655 (cited by Labcorp Genetics (formerly Invitae), Labcorp).